The following is an entry in ClinVar:

ClinVar aggregate classification (germline): Conflicting classifications of pathogenicity. Review status: criteria provided, conflicting classifications (1 of 4 stars). 2 submissions from 2 submitters: Uncertain significance (1); Likely benign (1). Last evaluated 2023-03-23.

Conditions:
Hereditary cancer-predisposing syndrome. Also called: Tumor predisposition; Neoplastic Syndromes, Hereditary; Hereditary Cancer Syndrome; Hereditary neoplastic syndrome. Identifiers: Orphanet 140162, MedGen C0027672, MeSH D009386, MONDO:0015356.

Submissions (2):

University of Washington Department of Laboratory Medicine, University of Washington
Classification: Likely benign for Hereditary cancer-predisposing syndrome. Last evaluated: 2023-03-23. Review status: criteria provided, single submitter. Criteria: Dines et al. (Genet Med. 2020). Collection method: curation. Allele origin: germline.
Comment: Missense variant in a coldspot region where missense variants are very unlikely to be pathogenic (PMID:31911673).

BRCA2 exon 11 coldspot. Reclassification based on statistical prior probability.

Ambry Genetics
Classification: Uncertain significance for Hereditary cancer-predisposing syndrome. Last evaluated: 2021-12-11. Review status: criteria provided, single submitter. Criteria: Ambry Variant Classification Scheme 2023. Collection method: clinical testing. Allele origin: germline.
Comment: The p.S1079Y variant (also known as c.3236C>A), located in coding exon 10 of the BRCA2 gene, results from a C to A substitution at nucleotide position 3236. The serine at codon 1079 is replaced by tyrosine, an amino acid with dissimilar properties. This amino acid position is conserved. In addition, this alteration is predicted to be tolerated by in silico analysis. Since supporting evidence is limited at this time, the clinical significance of this alteration remains unclear.

NM_000059.4(BRCA2):c.3236C>A (p.Ser1079Tyr)

Gene: BRCA2 (BRCA2 DNA repair associated; plus strand). Cytogenetic location: 13q13.1.
Variant type: single nucleotide variant.
Coding change: c.3236C>A on transcript NM_000059.4 (MANE Select); coding-DNA position 3236, C replaced by A.
Protein change: p.Ser1079Tyr; replaces serine 1079 with tyrosine.
Molecular consequence: missense variant.
Genome position (GRCh38, 1-based): chr13:32,337,591, C>A. VCF-style: chr13-32337591-C-A. GRCh37 (hg19) VCF-style: chr13-32911728-C-A.
Other names: c.3236C>A, p.Ser1079Tyr (NM_001406719.1, NM_001406720.1); short protein forms S1079Y.
Identifiers: ClinVar variation 1729239 (VCV001729239.4), dbSNP rs2072475650, ClinGen allele CA387775933.